The following is an entry in ClinVar:

NM_006180.6(NTRK2):c.1879G>A (p.Asp627Asn)

Gene: NTRK2 (neurotrophic receptor tyrosine kinase 2; plus strand). Cytogenetic location: 9q21.33.
Variant type: single nucleotide variant.
Coding change: c.1879G>A on transcript NM_006180.6 (MANE Select); coding-DNA position 1879, G replaced by A.
Protein change: p.Asp627Asn; replaces aspartic acid 627 with asparagine.
Molecular consequence: missense variant.
Genome position (GRCh38, 1-based): chr9:84,948,576, G>A. VCF-style: chr9-84948576-G-A. GRCh37 (hg19) VCF-style: chr9-87563491-G-A.
Other names: c.1879G>A (NM_006180.4); c.1831G>A, p.Asp611Asn (NM_001018064.3, NM_001369532.1, NM_001369533.1); c.1795G>A, p.Asp599Asn (NM_001369534.1); c.1363G>A, p.Asp455Asn (NM_001369535.1); c.1411G>A, p.Asp471Asn (NM_001369536.1); c.1879G>A, p.Asp627Asn (NM_001381928.1); short protein forms D471N, D611N, D599N, D627N, D455N.
Identifiers: ClinVar variation 2789583 (VCV002789583.25), dbSNP rs201553907, ClinGen allele CA5105860.

ClinVar aggregate classification (germline): Uncertain significance. Review status: criteria provided, multiple submitters, no conflicts (2 of 4 stars). 3 submissions from 3 submitters: Uncertain significance (2). 1 of the submissions does not count toward it. Last evaluated 2023-12-01.

Conditions:
NTRK2-related disorder. Also called: NTRK2-related condition.

Allele frequency attached by ClinVar (database versions not stated): ExAC 0.00001; gnomAD 0.00001; TOPMed 0.00001.
gnomAD v4.1: 10 of 1,613,886 alleles (0.00062%); highest among the groups gnomAD compares: African/African-American, 0.0027%; no homozygotes.

Submissions (3):

CeGaT Center for Human Genetics Tuebingen
Classification: Uncertain significance. Last evaluated: 2023-12-01. Review status: criteria provided, single submitter. Criteria: CeGaT Center For Human Genetics Tuebingen Variant Classification Criteria Version 2. Collection method: clinical testing. Allele origin: germline. Affected: yes. Observed: 1 variant allele.
Comment: NTRK2: PP2, PP3

Labcorp Genetics (formerly Invitae), Labcorp
Classification: Uncertain significance. Last evaluated: 2023-11-19. Review status: criteria provided, single submitter. Criteria: Invitae Variant Classification Sherloc (09022015). Collection method: clinical testing. Allele origin: germline.
Comment: This sequence change replaces aspartic acid, which is acidic and polar, with asparagine, which is neutral and polar, at codon 627 of the NTRK2 protein (p.Asp627Asn). This variant is present in population databases (rs201553907, gnomAD 0.004%). This variant has not been reported in the literature in individuals affected with NTRK2-related conditions. Advanced modeling of protein sequence and biophysical properties (such as structural, functional, and spatial information, amino acid conservation, physicochemical variation, residue mobility, and thermodynamic stability) performed at Invitae indicates that this missense variant is not expected to disrupt NTRK2 protein function with a negative predictive value of 80%. In summary, the available evidence is currently insufficient to determine the role of this variant in disease. Therefore, it has been classified as a Variant of Uncertain Significance.

PreventionGenetics, part of Exact Sciences
Classification: Uncertain significance for NTRK2-related condition. Last evaluated: 2024-02-28. Review status: no assertion criteria provided. Collection method: clinical testing. Allele origin: germline. Not counted in ClinVar's aggregate classification.
Comment: The NTRK2 c.1879G>A variant is predicted to result in the amino acid substitution p.Asp627Asn. To our knowledge, this variant has not been reported in the literature. This variant is reported in 0.0046% of alleles in individuals of European (Finnish) descent in gnomAD. At this time, the clinical significance of this variant is uncertain due to the absence of conclusive functional and genetic evidence.